The following is an entry in ClinVar:

ClinVar aggregate classification (germline): Likely pathogenic. Review status: criteria provided, multiple submitters, no conflicts (2 of 4 stars). 2 submissions from 2 submitters: Likely pathogenic (2). Last evaluated 2024-03-29.

Conditions:
Structural heart defects and renal anomalies syndrome (SHDRA). Identifiers: Orphanet 689822, MedGen C4479549, MONDO:0044321, OMIM 617478.

gnomAD v4.1: 5 of 1,612,696 alleles (0.00031%); highest among the groups gnomAD compares: Non-Finnish European, 0.00034%; no homozygotes.

Submissions (2):

Genomic Medicine Center of Excellence, King Faisal Specialist Hospital and Research Centre
Classification: Likely pathogenic for Structural heart defects and renal anomalies syndrome. Last evaluated: 2024-03-29. Review status: criteria provided, single submitter. Criteria: ACMG Guidelines, 2015. Collection method: clinical testing. Allele origin: germline.

HudsonAlpha Institute for Biotechnology
Classification: Likely pathogenic for Structural heart defects and renal anomalies syndrome. Last evaluated: 2021-07-06. Review status: criteria provided, single submitter. Criteria: ACMG Guidelines, 2015. Collection method: research. Allele origin: maternal. Affected: yes. Observed: 1 compound heterozygote. Study: CSER-SouthSeq.
Comment: ACMG codes: PVS1; PM2

NM_017799.4(TMEM260):c.1869+1G>T

Gene: TMEM260 (transmembrane protein 260; plus strand). Cytogenetic location: 14q22.3.
Variant type: single nucleotide variant.
Coding change: c.1869+1G>T on transcript NM_017799.4 (MANE Select); the canonical splice donor site of the intron after coding-DNA position 1869, G replaced by T.
Molecular consequence: splice donor variant.
Genome position (GRCh38, 1-based): chr14:56,636,599, G>T. VCF-style: chr14-56636599-G-T. GRCh37 (hg19) VCF-style: chr14-57103317-G-T.
Identifiers: ClinVar variation 1202618 (VCV001202618.2), dbSNP rs141599092, ClinGen allele CA261584031.